The following is an entry in ClinVar:

NM_014633.5(CTR9):c.3360C>G (p.Asp1120Glu)

Gene: CTR9 (CTR9 component of Paf1/RNA polymerase II complex; plus strand). Cytogenetic location: 11p15.4.
Variant type: single nucleotide variant.
Coding change: c.3360C>G on transcript NM_014633.5 (MANE Select); coding-DNA position 3360, C replaced by G.
Protein change: p.Asp1120Glu; replaces aspartic acid 1120 with glutamic acid.
Molecular consequence: missense variant.
Genome position (GRCh38, 1-based): chr11:10,778,943, C>G. VCF-style: chr11-10778943-C-G. GRCh37 (hg19) VCF-style: chr11-10800490-C-G.
Other names: c.3288C>G, p.Asp1096Glu (NM_001346279.2); short protein forms D1096E, D1120E.
Identifiers: ClinVar variation 1397663 (VCV001397663.8), dbSNP rs1863286852, ClinGen allele CA379679612.

ClinVar aggregate classification (germline): Uncertain significance (1 of 4 stars; one submission).

Allele frequency attached by ClinVar (database versions not stated): TOPMed below 0.00001.
gnomAD v4.1: 6 of 1,614,176 alleles (0.00037%); highest among the groups gnomAD compares: Middle Eastern, 0.066%; no homozygotes.

Submission:

Labcorp Genetics (formerly Invitae), Labcorp
Classification: Uncertain significance. Last evaluated: 2020-11-16. Review status: criteria provided, single submitter. Criteria: Invitae Variant Classification Sherloc (09022015). Collection method: clinical testing. Allele origin: germline.
Comment: This sequence change replaces aspartic acid with glutamic acid at codon 1120 of the CTR9 protein (p.Asp1120Glu). The aspartic acid residue is weakly conserved and there is a small physicochemical difference between aspartic acid and glutamic acid. This variant is not present in population databases (ExAC no frequency). This variant has not been reported in the literature in individuals with CTR9-related conditions. Algorithms developed to predict the effect of missense changes on protein structure and function output the following: SIFT: "Tolerated"; PolyPhen-2: "Benign"; Align-GVGD: "Class C0". The glutamic acid amino acid residue is found in multiple mammalian species, suggesting that this missense change does not adversely affect protein function. These predictions have not been confirmed by published functional studies and their clinical significance is uncertain. In summary, the available evidence is currently insufficient to determine the role of this variant in disease. Therefore, it has been classified as a Variant of Uncertain Significance.